The following is an entry in ClinVar:

NM_001267550.2(TTN):c.22356G>A (p.Trp7452Ter)

Gene: TTN (titin; minus strand). Cytogenetic location: 2q31.2.
Variant type: single nucleotide variant.
Coding change: c.22356G>A on transcript NM_001267550.2 (MANE Select); coding-DNA position 22356, G replaced by A.
Protein change: p.Trp7452Ter; replaces tryptophan 7452 with a stop codon.
Molecular consequence: nonsense. On other transcripts: intron variant (3).
Genome position (GRCh38, 1-based): chr2:178,722,431, C>T on the plus strand (G>A on the coding strand, the complement: TTN is on the minus strand). VCF-style: chr2-178722431-C-T. GRCh37 (hg19) VCF-style: chr2-179587158-C-T.
Other names: c.21405G>A, p.Trp7135Ter (NM_001256850.1); c.18624G>A, p.Trp6208Ter (NM_133378.4); c.13282+15651G>A (NM_003319.4); c.13858+15651G>A (NM_133437.4); c.13657+15651G>A (NM_133432.3); short protein forms W6208*, W7135*, W7452*.
Identifiers: ClinVar variation 1018018 (VCV001018018.9), dbSNP rs2078556781, ClinGen allele CA349526898.

ClinVar aggregate classification (germline): Likely pathogenic (1 of 4 stars; one submission).

Conditions:
Dilated cardiomyopathy 1G (CMD1G). Identifiers: Orphanet 154, MedGen C1858763, MONDO:0011400, OMIM 604145.
Autosomal recessive limb-girdle muscular dystrophy type 2J (LGMDR10). Also called: Limb-girdle muscular dystrophy, type 2J; MUSCULAR DYSTROPHY, LIMB-GIRDLE, AUTOSOMAL RECESSIVE 10. Identifiers: Orphanet 140922, MedGen C1837342, MONDO:0012127, OMIM 608807.

gnomAD v4.1: 1 of 1,613,396 alleles (0.000062%); no homozygotes.

Submission:

Labcorp Genetics (formerly Invitae), Labcorp
Classification: Likely pathogenic for Dilated cardiomyopathy 1G; Autosomal recessive limb-girdle muscular dystrophy type 2J. Last evaluated: 2024-10-18. Review status: criteria provided, single submitter. Criteria: Invitae Variant Classification Sherloc (09022015). Collection method: clinical testing. Allele origin: germline.
Comment: This sequence change creates a premature translational stop signal (p.Trp7452*) in the TTN gene. While this is not anticipated to result in nonsense mediated decay, it is expected to create a truncated TTN protein. This variant is not present in population databases (gnomAD no frequency). This variant has not been reported in the literature in individuals affected with TTN-related conditions. ClinVar contains an entry for this variant (Variation ID: 1018018). This variant is located in the I band of TTN (PMID: 25589632). Truncating variants in this region have been reported in individuals affected with autosomal recessive centronuclear myopathy (PMID: 23975875, internal data). Truncating variants in this region have also been identified in individuals affected with autosomal dominant dilated cardiomyopathy and/or cardio-related conditions (PMID: 27869827, 32964742, internal data). In summary, the currently available evidence indicates that the variant is pathogenic, but additional data are needed to prove that conclusively. Therefore, this variant has been classified as Likely Pathogenic.

Literature cited by the submitters: PubMed 25589632; PubMed 23975875; PubMed 27869827; PubMed 32964742.